The following is an entry in ClinVar:

NM_003052.5(SLC34A1):c.1407C>T (p.Ser469=)

Gene: SLC34A1 (solute carrier family 34 member 1; plus strand). Cytogenetic location: 5q35.3.
Variant type: single nucleotide variant.
Coding change: c.1407C>T on transcript NM_003052.5 (MANE Select); coding-DNA position 1407, C replaced by T.
Protein change: p.Ser469=; no amino-acid change (serine 469 retained).
Molecular consequence: synonymous variant.
Genome position (GRCh38, 1-based): chr5:177,397,065, C>T. VCF-style: chr5-177397065-C-T. GRCh37 (hg19) VCF-style: chr5-176824066-C-T.
Identifiers: ClinVar variation 732319 (VCV000732319.10), dbSNP rs771094987, ClinGen allele CA3580772.
Genomic context (GRCh38, chr5:177,397,065, plus strand): 5'-CGGCACCACCACCACGGCCATCCTGGCTGCCCTGGCCAGCCCCAGGGAGAAGCTGTCCAG[C>T]GCTTTCCAGGTGCGCTGGGAGTGTAGCCTCGCCTGGGGCAGGATGGAGCTGCCTCTGGGG-3'
Protein context (NP_003043.3, residues 459-479): ALASPREKLS[Ser469=]AFQIALCHFF

ClinVar aggregate classification (germline): Likely benign. Review status: criteria provided, multiple submitters, no conflicts (2 of 4 stars). 2 submissions from 2 submitters: Likely benign (2). Last evaluated 2025-11-18.

Conditions:
SLC34A1-related disorder. Also called: SLC34A1-related condition; SLC34A1-related disorders.

Allele frequency attached by ClinVar (database versions not stated): TOPMed 0.00006; gnomAD 0.00013.
gnomAD v4.1: 165 of 1,613,196 alleles (0.01%); highest among the groups gnomAD compares: South Asian, 0.14%; 1 homozygote.

Submissions (2):

PreventionGenetics, part of Exact Sciences
Classification: Likely benign for SLC34A1-related condition. Last evaluated: 2025-11-18. Review status: criteria provided, single submitter. Criteria: ACMG Guidelines, 2015. Collection method: clinical testing. Allele origin: germline.
Comment: This variant is classified as likely benign based on ACMG/AMP sequence variant interpretation guidelines (Richards et al. 2015 PMID: 25741868, with internal and published modifications).

Labcorp Genetics (formerly Invitae), Labcorp
Classification: Likely benign. Last evaluated: 2024-07-06. Review status: criteria provided, single submitter. Criteria: Invitae Variant Classification Sherloc (09022015). Collection method: clinical testing. Allele origin: germline.